The following is an entry in ClinVar:

NM_145038.5(DRC1):c.379G>T (p.Val127Phe)

Gene: DRC1 (dynein regulatory complex subunit 1; plus strand). Cytogenetic location: 2p23.3.
Variant type: single nucleotide variant.
Coding change: c.379G>T on transcript NM_145038.5 (MANE Select); coding-DNA position 379, G replaced by T.
Protein change: p.Val127Phe; replaces valine 127 with phenylalanine.
Molecular consequence: missense variant.
Genome position (GRCh38, 1-based): chr2:26,424,293, G>T. VCF-style: chr2-26424293-G-T. GRCh37 (hg19) VCF-style: chr2-26647161-G-T.
Other names: short protein forms V127F.
Identifiers: ClinVar variation 525304 (VCV000525304.6), dbSNP rs1199545365, ClinGen allele CA346098844.

ClinVar aggregate classification (germline): Uncertain significance (1 of 4 stars; one submission).

Conditions:
Primary ciliary dyskinesia. Also called: Ciliary dyskinesia. Identifiers: Orphanet 244, MedGen C0008780, MONDO:0016575, HP:0012265.

Allele frequency attached by ClinVar (database versions not stated): TOPMed 0.00001.

Submission:

Labcorp Genetics (formerly Invitae), Labcorp
Classification: Uncertain significance for Primary ciliary dyskinesia. Last evaluated: 2022-08-16. Review status: criteria provided, single submitter. Criteria: Invitae Variant Classification Sherloc (09022015). Collection method: clinical testing. Allele origin: germline.
Comment: This sequence change replaces valine, which is neutral and non-polar, with phenylalanine, which is neutral and non-polar, at codon 127 of the DRC1 protein (p.Val127Phe). This variant is not present in population databases (gnomAD no frequency). This variant has not been reported in the literature in individuals affected with DRC1-related conditions. ClinVar contains an entry for this variant (Variation ID: 525304). Algorithms developed to predict the effect of missense changes on protein structure and function are either unavailable or do not agree on the potential impact of this missense change (SIFT: "Deleterious"; PolyPhen-2: "Possibly Damaging"; Align-GVGD: "Class C0"). In summary, the available evidence is currently insufficient to determine the role of this variant in disease. Therefore, it has been classified as a Variant of Uncertain Significance.